The following is an entry in ClinVar:

ClinVar aggregate classification (germline): Pathogenic. Review status: criteria provided, multiple submitters, no conflicts (2 of 4 stars). 6 submissions from 6 submitters: Pathogenic (4). 2 of the submissions do not count toward it. Last evaluated 2025-06-23.

Conditions:
Finnish congenital nephrotic syndrome (NPHS1). Also called: NEPHROTIC SYNDROME, TYPE 1. Identifiers: Orphanet 839, MedGen C0403399, MONDO:0009732, OMIM 256300.

Allele frequency attached by ClinVar (database versions not stated): gnomAD exomes below 0.00001; TOPMed 0.00002; gnomAD 0.00001.

Submissions (6):

Natera, Inc.
Classification: Pathogenic for Finnish congenital nephrotic syndrome. Last evaluated: 2025-06-23. Review status: criteria provided, single submitter. Criteria: Natera Variant Classification Schema (03/2026). Collection method: clinical testing. Allele origin: germline.
Comment: The c.1481delC variant in NPHS1 is a frameshift variant predicted to shift the reading frame beginning at codon 494 and leads to a stop codon 55 codons downstream. This variant is expected to result in nonsense mediated decay, truncation, or a dysfunctional protein product. This variant is rare in the general population with a frequency below the threshold expected for the associated phenotype(s). This variant has been observed in one or more individuals affected with the associated recessive disease, as either homozygous or compound heterozygous with a second variant (PMID: 10577936). Given the available evidence, this variant is classified as Pathogenic.

GeneDx
Classification: Pathogenic. Last evaluated: 2024-11-05. Review status: criteria provided, single submitter. Criteria: GeneDx Variant Classification Process June 2021. Collection method: clinical testing. Allele origin: germline.
Comment: Frameshift variant predicted to result in protein truncation or nonsense mediated decay in a gene for which loss of function is a known mechanism of disease; Not observed at significant frequency in large population cohorts (gnomAD); This variant is associated with the following publications: (PMID: 31028937, 18614772, 10577936)

Labcorp Genetics (formerly Invitae), Labcorp
Classification: Pathogenic. Last evaluated: 2023-08-17. Review status: criteria provided, single submitter. Criteria: Invitae Variant Classification Sherloc (09022015). Collection method: clinical testing. Allele origin: germline.
Comment: This variant is present in population databases (rs386833883, gnomAD 0.001%). This sequence change creates a premature translational stop signal (p.Ser494Cysfs*55) in the NPHS1 gene. It is expected to result in an absent or disrupted protein product. Loss-of-function variants in NPHS1 are known to be pathogenic (PMID: 11317351, 11854170, 12039988). For these reasons, this variant has been classified as Pathogenic. ClinVar contains an entry for this variant (Variation ID: 56441). This premature translational stop signal has been observed in individuals with nephrotic syndrome (PMID: 10577936, 18614772).

Women's Health and Genetics/Laboratory Corporation of America, LabCorp
Classification: Pathogenic for Finnish congenital nephrotic syndrome. Last evaluated: 2021-09-03. Review status: criteria provided, single submitter. Criteria: LabCorp Variant Classification Summary - May 2015. Collection method: clinical testing. Allele origin: germline.
Comment: Variant summary: NPHS1 c.1481delC (p.Ser494CysfsX55) results in a premature termination codon, predicted to cause a truncation of the encoded protein or absence of the protein due to nonsense mediated decay, which are commonly known mechanisms for disease. Truncations downstream of this position have been classified as pathogenic by our laboratory. The variant allele was found at a frequency of 4.7e-06 in 212490 control chromosomes. c.1481delC has been reported in the literature in individuals affected with Nephrotic Syndrome, Type 1 (e.g. Bolk_1999). These data indicate that the variant may be associated with disease. One clinical diagnostic laboratory has submitted clinical-significance assessments for this variant to ClinVar after 2014 without evidence for independent evaluation and classified the variant as pathogenic. Based on the evidence outlined above, the variant was classified as pathogenic.

OMIM
Classification: Pathogenic for NEPHROTIC SYNDROME, TYPE 1. Last evaluated: 1999-12-01. Review status: no assertion criteria provided. Collection method: literature only. Allele origin: germline. Not counted in ClinVar's aggregate classification.

Juha Muilu Group; Institute for Molecular Medicine Finland (FIMM)
Classification: Likely pathogenic for Finnish congenital nephrotic syndrome. Review status: no assertion criteria provided. Collection method: not provided. Allele origin: unknown. Not counted in ClinVar's aggregate classification.
Comment: FinDis database variant: FinDis database variant: This variant was not found or characterized by our laboratory, data were collected from public sources: see reference
ClinVar note: Converted during submission from probable-pathogenic to Likely pathogenic.

Literature cited by the submitters: PubMed 10577936 (cited by 4 submitters); PubMed 11317351 (cited by Labcorp Genetics (formerly Invitae), Labcorp); PubMed 11854170 (cited by Labcorp Genetics (formerly Invitae), Labcorp); PubMed 12039988 (cited by Labcorp Genetics (formerly Invitae), Labcorp); PubMed 18614772 (cited by Labcorp Genetics (formerly Invitae), Labcorp); PubMed 9543371 (cited by OMIM).

NM_004646.4(NPHS1):c.1481del (p.Ser494fs)

Gene: NPHS1 (NPHS1 adhesion molecule, nephrin; minus strand). Cytogenetic location: 19q13.12.
Variant type: Deletion.
Coding change: c.1481del on transcript NM_004646.4 (MANE Select); coding-DNA position 1481, one base deleted (C; older notation c.1481delC).
Protein change: p.Ser494fs; shifts the reading frame from serine 494.
Molecular consequence: frameshift variant.
Genome position (GRCh38, 1-based): chr19:35,846,154, G deleted on the plus strand (C on the coding strand, the reverse complement: NPHS1 is on the minus strand). VCF-style (leftmost placement, unchanged base first): chr19-35846153-CG-C. GRCh37 (hg19) VCF-style: chr19-36337055-CG-C.
Other names: c.1481delC (NM_004646.3); c.1481del (NM_004646.3); short protein forms S494fs.
Identifiers: ClinVar variation 56441 (VCV000056441.19), dbSNP rs386833883, ClinGen allele CA250124.